The following is an entry in ClinVar:

ClinVar aggregate classification (germline): Uncertain significance (1 of 4 stars; one submission).

Submission:

Labcorp Genetics (formerly Invitae), Labcorp
Classification: Uncertain significance. Last evaluated: 2025-02-02. Review status: criteria provided, single submitter. Criteria: Invitae Variant Classification Sherloc (09022015). Collection method: clinical testing. Allele origin: germline.
Comment: This sequence change replaces threonine, which is neutral and polar, with serine, which is neutral and polar, at codon 725 of the NLRP1 protein (p.Thr725Ser). This variant is not present in population databases (gnomAD no frequency). This variant has not been reported in the literature in individuals affected with NLRP1-related conditions. An algorithm developed to predict the effect of missense changes on protein structure and function (PolyPhen-2) suggests that this variant is likely to be tolerated. In summary, the available evidence is currently insufficient to determine the role of this variant in disease. Therefore, it has been classified as a Variant of Uncertain Significance.

NM_033004.4(NLRP1):c.2173A>T (p.Thr725Ser)

Gene: NLRP1 (NLR family pyrin domain containing 1; minus strand). Cytogenetic location: 17p13.2.
Variant type: single nucleotide variant.
Coding change: c.2173A>T on transcript NM_033004.4 (MANE Select); coding-DNA position 2173, A replaced by T.
Protein change: p.Thr725Ser; replaces threonine 725 with serine.
Molecular consequence: missense variant.
Genome position (GRCh38, 1-based): chr17:5,558,523, T>A on the plus strand (A>T on the coding strand, the complement: NLRP1 is on the minus strand). VCF-style: chr17-5558523-T-A. GRCh37 (hg19) VCF-style: chr17-5461843-T-A.
Other names: c.2173A>T, p.Thr725Ser (NM_001033053.3, NM_014922.5, NM_033006.4 and 1 more transcripts); short protein forms T725S.
Identifiers: ClinVar variation 3729922 (VCV003729922.2).